The following is an entry in ClinVar:

ClinVar aggregate classification (germline): Uncertain significance. Review status: criteria provided, multiple submitters, no conflicts (2 of 4 stars). 2 submissions from 2 submitters: Uncertain significance (2). Last evaluated 2022-07-15.

Conditions:
Mucopolysaccharidosis, MPS-III-D (MPS3D). Also called: Mucopoly-saccharidosis type 3D; N-acetylglucosamine-6-sulfate sulfatase deficiency; MPS 3D; MPS IIID (Sanfilippo Syndrome Type D); MUCOPOLYSACCHARIDOSIS, TYPE IIID; N-ACETYLGLUCOSAMINE-6-SULFATASE DEFICIENCY. Identifiers: Orphanet 581, Orphanet 79272, MedGen C0086650, MONDO:0009658, OMIM 252940.

Allele frequency attached by ClinVar (database versions not stated): gnomAD exomes 0.00003 and 0.00002; 1000 Genomes Project 0.00020; TOPMed 0.00003; gnomAD 0.00004; 1000 Genomes Project 30x 0.00016; ExAC 0.00001; ESP Exome Variant Server 0.00008.

Submissions (2):

Labcorp Genetics (formerly Invitae), Labcorp
Classification: Uncertain significance for Mucopolysaccharidosis, MPS-III-D. Last evaluated: 2022-07-15. Review status: criteria provided, single submitter. Criteria: Invitae Variant Classification Sherloc (09022015). Collection method: clinical testing. Allele origin: germline.
Comment: This sequence change replaces methionine, which is neutral and non-polar, with valine, which is neutral and non-polar, at codon 139 of the GNS protein (p.Met139Val). This variant is present in population databases (rs142588770, gnomAD 0.005%). This variant has not been reported in the literature in individuals affected with GNS-related conditions. ClinVar contains an entry for this variant (Variation ID: 1410005). Algorithms developed to predict the effect of missense changes on protein structure and function output the following: SIFT: "Tolerated"; PolyPhen-2: "Benign"; Align-GVGD: "Class C0". The valine amino acid residue is found in multiple mammalian species, which suggests that this missense change does not adversely affect protein function. Algorithms developed to predict the effect of sequence changes on RNA splicing suggest that this variant may create or strengthen a splice site. In summary, the available evidence is currently insufficient to determine the role of this variant in disease. Therefore, it has been classified as a Variant of Uncertain Significance.

Fulgent Genetics
Classification: Uncertain significance for Mucopolysaccharidosis, MPS-III-D. Last evaluated: 2022-04-07. Review status: criteria provided, single submitter. Criteria: ACMG Guidelines, 2015. Collection method: clinical testing. Allele origin: unknown.

NM_002076.4(GNS):c.415A>G (p.Met139Val)

Gene: GNS (glucosamine (N-acetyl)-6-sulfatase; minus strand). Cytogenetic location: 12q14.3.
Variant type: single nucleotide variant.
Coding change: c.415A>G on transcript NM_002076.4 (MANE Select); coding-DNA position 415, A replaced by G.
Protein change: p.Met139Val; replaces methionine 139 with valine.
Molecular consequence: missense variant.
Genome position (GRCh38, 1-based): chr12:64,747,756, T>C on the plus strand (A>G on the coding strand, the complement: GNS is on the minus strand). VCF-style: chr12-64747756-T-C. GRCh37 (hg19) VCF-style: chr12-65141536-T-C.
Other names: short protein forms M139V.
Identifiers: ClinVar variation 1410005 (VCV001410005.4), dbSNP rs142588770, ClinGen allele CA6669957.